The following is an entry in ClinVar:

NM_000138.5(FBN1):c.4281C>A (p.Tyr1427Ter)

Genes: FBN1 (fibrillin 1; minus strand), LOC126862124 (CDK7 strongly-dependent group 2 enhancer GRCh37_chr15:48764566-48765765; plus strand). Cytogenetic location: 15q21.1.
Variant type: single nucleotide variant.
Coding change: c.4281C>A on transcript NM_000138.5 (MANE Select); coding-DNA position 4281, C replaced by A.
Protein change: p.Tyr1427Ter; replaces tyrosine 1427 with a stop codon.
Molecular consequence: nonsense.
Genome position (GRCh38, 1-based): chr15:48,472,606, G>T on the plus strand (C>A on the coding strand, the complement: FBN1 is on the minus strand). VCF-style: chr15-48472606-G-T. GRCh37 (hg19) VCF-style: chr15-48764803-G-T.
Other names: short protein forms Y1427*.
Identifiers: ClinVar variation 1073346 (VCV001073346.8), dbSNP rs2141277951, ClinGen allele CA392317767.
Genomic context (GRCh38, chr15:48,472,606, plus strand): 5'-GTTACCTTCACAGGCTTTCCCGTCAGCACTGGGCACGAAGCCCATGTCGCATTCACAGCG[G>T]TATCCTCCTGGTGCATTGAGGCACTGGCCATTGCCACAGAGATTCAGGTTCTCAGAGCAC-3'

ClinVar aggregate classification (germline): Pathogenic (1 of 4 stars; one submission).

Conditions:
Familial thoracic aortic aneurysm and aortic dissection (TAAD). Also called: Thoracic aortic aneurysms and dissections. Identifiers: Orphanet 91387, MedGen C4707243, MONDO:0019625.
Marfan syndrome (MFS). Also called: Marfan syndrome type 1; Marfan's syndrome; Marfan syndrome, classic; MARFAN SYNDROME, TYPE I; FBN1-Related Marfan Syndrome. Identifiers: Orphanet 284963, Orphanet 558, MedGen C0024796, MONDO:0007947, OMIM 154700.

Submission:

Labcorp Genetics (formerly Invitae), Labcorp
Classification: Pathogenic for Marfan syndrome; Familial thoracic aortic aneurysm and aortic dissection. Last evaluated: 2020-01-13. Review status: criteria provided, single submitter. Criteria: Invitae Variant Classification Sherloc (09022015). Collection method: clinical testing. Allele origin: germline.
Comment: This sequence change creates a premature translational stop signal (p.Tyr1427*) in the FBN1 gene. It is expected to result in an absent or disrupted protein product. This variant is not present in population databases (ExAC no frequency). This variant has not been reported in the literature in individuals with FBN1-related conditions. Loss-of-function variants in FBN1 are known to be pathogenic (PMID: 17657824, 19293843). For these reasons, this variant has been classified as Pathogenic.

Literature cited by the submitters: PubMed 17657824; PubMed 19293843.